The following is an entry in ClinVar:

NM_005222.4(DLX6):c.720C>T (p.Gly240=)

Genes: DLX6 (distal-less homeobox 6; plus strand), DLX6-AS1 (DLX6 antisense RNA 1; minus strand). Cytogenetic location: 7q21.3.
Variant type: single nucleotide variant.
Coding change: c.720C>T on transcript NM_005222.4 (MANE Select); coding-DNA position 720, C replaced by T.
Protein change: p.Gly240=; no amino-acid change (glycine 240 retained).
Molecular consequence: synonymous variant.
Genome position (GRCh38, 1-based): chr7:97,009,885, C>T. VCF-style: chr7-97009885-C-T. GRCh37 (hg19) VCF-style: chr7-96639197-C-T.
Other names: c.720C>T (NM_005222.3).
Identifiers: ClinVar variation 2905420 (VCV002905420.5), dbSNP rs761942448, ClinGen allele CA4353838.

ClinVar aggregate classification (germline): Likely benign. Review status: criteria provided, single submitter (1 of 4 stars). 2 submissions from 2 submitters: Likely benign (1). 1 of the submissions does not count toward it. Last evaluated 2025-03-18.

Conditions:
DLX6-related disorder. Also called: DLX6-related condition.

Allele frequency attached by ClinVar (database versions not stated): ExAC 0.00013; TOPMed 0.00003; gnomAD 0.00004; gnomAD exomes 0.00009.

Submissions (2):

Labcorp Genetics (formerly Invitae), Labcorp
Classification: Likely benign. Last evaluated: 2025-03-18. Review status: criteria provided, single submitter. Criteria: Invitae Variant Classification Sherloc (09022015). Collection method: clinical testing. Allele origin: germline.

PreventionGenetics, part of Exact Sciences
Classification: Likely benign for DLX6-related condition. Last evaluated: 2019-09-17. Review status: no assertion criteria provided. Collection method: clinical testing. Allele origin: germline. Not counted in ClinVar's aggregate classification.
Comment: This variant is classified as likely benign based on ACMG/AMP sequence variant interpretation guidelines (Richards et al. 2015 PMID: 25741868, with internal and published modifications).